The following is an entry in ClinVar:

ClinVar aggregate classification (germline): Conflicting classifications of pathogenicity. Review status: criteria provided, conflicting classifications (1 of 4 stars). 7 submissions from 7 submitters: Uncertain significance (3); Likely benign (4). Last evaluated 2026-01-07.

Conditions:
Hereditary cancer-predisposing syndrome. Also called: Neoplastic Syndromes, Hereditary; Hereditary Cancer Syndrome; Tumor predisposition; Hereditary neoplastic syndrome. Identifiers: Orphanet 140162, MedGen C0027672, MeSH D009386, MONDO:0015356.
Tuberous sclerosis syndrome (TSC). Also called: Tuberous Sclerosis Complex; Tuberous sclerosis. Identifiers: Orphanet 805, MedGen C0041341, MONDO:0001734.
Tuberous sclerosis 2 (TSC2). Identifiers: Orphanet 805, MedGen C1860707, MONDO:0013199, OMIM 613254.

Allele frequency attached by ClinVar (database versions not stated): gnomAD 0.00001.
gnomAD v4.1: 13 of 1,596,506 alleles (0.00081%); highest among the groups gnomAD compares: East Asian, 0.0045%; no homozygotes.

Submissions (7):

Labcorp Genetics (formerly Invitae), Labcorp
Classification: Likely benign for Tuberous sclerosis 2. Last evaluated: 2026-01-07. Review status: criteria provided, single submitter. Criteria: Invitae Variant Classification Sherloc (09022015). Collection method: clinical testing. Allele origin: germline.

St. Jude Molecular Pathology, St. Jude Children's Research Hospital
Classification: Uncertain significance for Tuberous sclerosis 2. Last evaluated: 2025-06-17. Review status: criteria provided, single submitter. Criteria: St. Jude Assertion Criteria 2020. Collection method: clinical testing. Allele origin: germline.
Comment: The TSC2 c.2038C>T p.(Arg680Trp) missense change has a maximum subpopulation frequency of 0.001% in gnomAD v2.1.1. The in silico tool REVEL predicts a deleterious effect on protein function, but to our knowledge this prediction has not been confirmed by functional studies. To our knowledge, this variant has not been reported in individuals with tuberous sclerosis complex. In summary, the evidence currently available is insufficient to determine the clinical significance of this variant. It has therefore been classified as of uncertain significance.

All of Us Research Program, National Institutes of Health
Classification: Uncertain significance for Tuberous sclerosis syndrome. Last evaluated: 2023-08-23. Review status: criteria provided, single submitter. Criteria: ACMG Guidelines, 2015. Collection method: clinical testing. Allele origin: germline. Inheritance: Autosomal dominant inheritance. Observed: 2 variant alleles, 2 heterozygotes.
Comment: This missense variant replaces arginine with tryptophan at codon 680 of the TSC2 protein. Computational prediction suggests that this variant may have deleterious impact on protein structure and function (internally defined REVEL score threshold >= 0.7, PMID: 27666373). To our knowledge, functional studies have not been reported for this variant. This variant has not been reported in individuals affected with tuberous sclerosis complex in the literature. This variant has not been identified in the general population by the Genome Aggregation Database (gnomAD). The available evidence is insufficient to determine the role of this variant in disease conclusively. Therefore, this variant is classified as a Variant of Uncertain Significance.

This study involves interpretation of variants in research participants for the purpose of population health screening. Participant phenotype was not available at the time of variant classification. Additional details can be found in publication PMID: 35346344, PMCID: PMC8962531

GeneDx
Classification: Likely benign. Last evaluated: 2023-04-28. Review status: criteria provided, single submitter. Criteria: GeneDx Variant Classification Process June 2021. Collection method: clinical testing. Allele origin: germline. Affected: yes.
Comment: See Variant Classification Assertion Criteria.

Ambry Genetics
Classification: Likely benign for Hereditary cancer-predisposing syndrome. Last evaluated: 2023-04-11. Review status: criteria provided, single submitter. Criteria: Ambry Variant Classification Scheme 2023. Collection method: clinical testing. Allele origin: germline.

Blueprint Genetics
Classification: Uncertain significance. Last evaluated: 2023-03-24. Review status: criteria provided, single submitter. Criteria: ACMG Guidelines, 2015. Collection method: clinical testing. Allele origin: germline.

Genome-Nilou Lab
Classification: Likely benign for Tuberous sclerosis 2. Last evaluated: 2021-11-07. Review status: criteria provided, single submitter. Criteria: ACMG Guidelines, 2015. Collection method: clinical testing. Allele origin: germline. Affected: no.

NM_000548.5(TSC2):c.2038C>T (p.Arg680Trp)

Gene: TSC2 (TSC complex subunit 2; plus strand). Cytogenetic location: 16p13.3.
Variant type: single nucleotide variant.
Coding change: c.2038C>T on transcript NM_000548.5 (MANE Select); coding-DNA position 2038, C replaced by T.
Protein change: p.Arg680Trp; replaces arginine 680 with tryptophan.
Molecular consequence: missense variant.
Genome position (GRCh38, 1-based): chr16:2,071,875, C>T. VCF-style: chr16-2071875-C-T. GRCh37 (hg19) VCF-style: chr16-2121876-C-T.
Other names: c.1927C>T, p.Arg643Trp (NM_001318827.2); c.1891C>T, p.Arg631Trp (NM_001318829.2); c.1438C>T, p.Arg480Trp (NM_001318831.2); c.2071C>T, p.Arg691Trp (NM_001318832.2); c.2038C>T, p.Arg680Trp (NM_001363528.2, NM_001370404.1, NM_001370405.1 and 3 more transcripts); short protein forms R680W, R631W, R643W, R480W, R691W.
Identifiers: ClinVar variation 230458 (VCV000230458.23), dbSNP rs876658578, ClinGen allele CA10579879.